The following is an entry in ClinVar:

ClinVar aggregate classification (germline): Uncertain significance (1 of 4 stars; one submission).

Submission:

Labcorp Genetics (formerly Invitae), Labcorp
Classification: Uncertain significance. Last evaluated: 2023-03-23. Review status: criteria provided, single submitter. Criteria: Invitae Variant Classification Sherloc (09022015). Collection method: clinical testing. Allele origin: unknown.
Comment: In summary, the available evidence is currently insufficient to determine the role of this variant in disease. Therefore, it has been classified as a Variant of Uncertain Significance. Experimental studies and prediction algorithms are not available or were not evaluated, and the functional significance of this variant is currently unknown. This variant has not been reported in the literature in individuals affected with C3-related conditions. A copy number gain of the genomic region encompassing the full coding sequence of the C3 gene has been identified. The boundaries of this event are unknown as they extend beyond the assayed region for this gene and therefore may encompass additional genes. As the precise location of this event is unknown, it may be in tandem or it may be located elsewhere in the genome.

NC_000019.9:g.(?_5691310)_(8008536_?)dup

Genes: ACER1 (alkaline ceramidase 1; minus strand), ACSBG2 (acyl-CoA synthetase bubblegum family member 2; plus strand), ADGRE1 (adhesion G protein-coupled receptor E1; plus strand), ALKBH7 (alkB homolog 7; plus strand), ARHGEF18 (Rho/Rac guanine nucleotide exchange factor 18; plus strand) and 62 more. Cytogenetic location: 19p13.3-13.2.
Variant type: Duplication.
Identifiers: ClinVar variation 3242628 (VCV003242628.1).